The following is an entry in ClinVar:

NM_001270508.2(TNFAIP3):c.1490G>A (p.Arg497His)

Gene: TNFAIP3 (TNF alpha induced protein 3; plus strand). Cytogenetic location: 6q23.3.
Variant type: single nucleotide variant.
Coding change: c.1490G>A on transcript NM_001270508.2 (MANE Select); coding-DNA position 1490, G replaced by A.
Protein change: p.Arg497His; replaces arginine 497 with histidine.
Molecular consequence: missense variant.
Genome position (GRCh38, 1-based): chr6:137,878,935, G>A. VCF-style: chr6-137878935-G-A. GRCh37 (hg19) VCF-style: chr6-138200072-G-A.
Other names: c.1490G>A, p.Arg497His (NM_001270507.2, NM_006290.4); c.1490G>A (NM_006290.3); short protein forms R497H.
Identifiers: ClinVar variation 1515386 (VCV001515386.9), dbSNP rs201074555, ClinGen allele CA4019650.
Genomic context (GRCh38, chr6:137,878,935, plus strand): 5'-AGTGCAGGAGCCCCGGCTGCCCCTTCACACTGAATGTGCAGCACAACGGATTTTGTGAAC[G>A]TTGCCACAACGCCCGGCAACTTCACGCCAGCCACGCCCCAGACCACACAAGGCACTTGGA-3'
Protein context (NP_001257437.1, residues 487-507): LNVQHNGFCE[Arg497His]CHNARQLHAS

ClinVar aggregate classification (germline): Conflicting classifications of pathogenicity. Review status: criteria provided, conflicting classifications (1 of 4 stars). 2 submissions from 2 submitters: Uncertain significance (1); Likely benign (1). Last evaluated 2024-10-30.

Conditions:
TNFAIP3-related disorder. Also called: TNFAIP3-related condition.

Allele frequency attached by ClinVar (database versions not stated): gnomAD 0.00001; TOPMed 0.00001; gnomAD exomes 0.00002 and 0.00003; ExAC 0.00004; ESP Exome Variant Server 0.00015.
gnomAD v4.1: 37 of 1,614,016 alleles (0.0023%); highest among the groups gnomAD compares: African/African-American, 0.0053%; no homozygotes.

Submissions (2):

PreventionGenetics, part of Exact Sciences
Classification: Uncertain significance for TNFAIP3-related condition. Last evaluated: 2024-10-30. Review status: criteria provided, single submitter. Criteria: ACMG Guidelines, 2015. Collection method: clinical testing. Allele origin: germline.
Comment: The TNFAIP3 c.1490G>A variant is predicted to result in the amino acid substitution p.Arg497His. To our knowledge, this variant has not been reported in the literature. This variant is reported in 0.0046% of alleles in individuals of European (Finnish) descent in gnomAD. At this time, the clinical significance of this variant is uncertain due to the absence of conclusive functional and genetic evidence.

Labcorp Genetics (formerly Invitae), Labcorp
Classification: Likely benign. Last evaluated: 2023-12-06. Review status: criteria provided, single submitter. Criteria: Invitae Variant Classification Sherloc (09022015). Collection method: clinical testing. Allele origin: germline.